The following is an entry in ClinVar:

ClinVar aggregate classification (germline): Conflicting classifications of pathogenicity. Review status: criteria provided, conflicting classifications (1 of 4 stars). 3 submissions from 3 submitters: Uncertain significance (1); Likely benign (2). Last evaluated 2025-08-01.

Conditions:
COL4A6-related disorder. Also called: COL4A6-related condition.

Allele frequency attached by ClinVar (database versions not stated): gnomAD exomes 0.00005 and 0.00011; ExAC 0.00016; ESP Exome Variant Server 0.00019; gnomAD 0.00040 and 0.00041; TOPMed 0.00054; 1000 Genomes Project 0.00079; 1000 Genomes Project 30x 0.00104.
gnomAD v4.1: 100 of 1,168,240 alleles (0.0086%); highest among the groups gnomAD compares: African/African-American, 0.15%; no homozygotes.

Submissions (3):

PreventionGenetics, part of Exact Sciences
Classification: Likely benign for COL4A6-related condition. Last evaluated: 2025-08-01. Review status: criteria provided, single submitter. Criteria: ACMG Guidelines, 2015. Collection method: clinical testing. Allele origin: germline.
Comment: This variant is classified as likely benign based on ACMG/AMP sequence variant interpretation guidelines (Richards et al. 2015 PMID: 25741868, with internal and published modifications).

Labcorp Genetics (formerly Invitae), Labcorp
Classification: Likely benign. Last evaluated: 2025-06-12. Review status: criteria provided, single submitter. Criteria: Invitae Variant Classification Sherloc (09022015). Collection method: clinical testing. Allele origin: germline.

Ambry Genetics
Classification: Uncertain significance. Last evaluated: 2024-07-21. Review status: criteria provided, single submitter. Criteria: Ambry Variant Classification Scheme 2023. Collection method: clinical testing. Allele origin: germline.

NM_033641.4(COL4A6):c.1556C>T (p.Ser519Phe)

Gene: COL4A6 (collagen type IV alpha 6 chain; minus strand). Cytogenetic location: Xq22.3.
Variant type: single nucleotide variant.
Coding change: c.1556C>T on transcript NM_033641.4 (MANE Select); coding-DNA position 1556, C replaced by T.
Protein change: p.Ser519Phe; replaces serine 519 with phenylalanine.
Molecular consequence: missense variant.
Genome position (GRCh38, 1-based): chrX:108,188,548, G>A on the plus strand (C>T on the coding strand, the complement: COL4A6 is on the minus strand). VCF-style: chrX-108188548-G-A. GRCh37 (hg19) VCF-style: chrX-107431778-G-A.
Other names: c.1559C>T (NM_001847.2, NM_001847.3); c.1556C>T, p.Ser519Phe (NM_001287758.2, NM_001287759.2, NM_001287760.2); c.1559C>T, p.Ser520Phe (NM_001847.4); short protein forms S519F, S520F.
Identifiers: ClinVar variation 1593255 (VCV001593255.11), dbSNP rs191837837, ClinGen allele CA10487809.